The following is an entry in ClinVar:

NM_138711.6(PPARG):c.-8A>G

Gene: PPARG (peroxisome proliferator activated receptor gamma; plus strand). Cytogenetic location: 3p25.2.
Variant type: single nucleotide variant.
Coding change: c.-8A>G on transcript NM_138711.6 (MANE Select); 8 bases upstream of the start codon, A replaced by G.
Molecular consequence: 5 prime UTR variant. On other transcripts: missense variant (3).
Genome position (GRCh38, 1-based): chr3:12,379,704, A>G. VCF-style: chr3-12379704-A-G. GRCh37 (hg19) VCF-style: chr3-12421203-A-G.
Other names: c.-8A>G (NM_001330615.4, NM_001354666.3, NM_001354667.3 and 6 more transcripts); c.83A>G, p.Glu28Gly (NM_001354668.2, NM_001374265.1, NM_015869.5); c.-435A>G (NM_001354669.2); c.-2A>G (NM_001354670.2, NM_001374266.1); c.83A>G (NM_015869.4); short protein forms E28G.
Identifiers: ClinVar variation 3350024 (VCV003350024.4).
Genomic context (GRCh38, chr3:12,379,704, plus strand): 5'-CTGTGAGATTGCTGTGTTCTCTAGGACTTAACTTCACAGCTAGTCTATTTTTCCTTTCAG[A>G]AATGACCATGGTTGACACAGAGATGCCATTCTGGCCCACCAACTTTGGGATCAGCTCCGT-3'

ClinVar aggregate classification (germline): Uncertain significance. Review status: criteria provided, multiple submitters, no conflicts (2 of 4 stars). 3 submissions from 3 submitters: Uncertain significance (2). 1 of the submissions does not count toward it. Last evaluated 2025-01-08.

Conditions:
PPARG-related disorder. Also called: PPARG-related disorders; PPARG-related condition.
Inborn genetic diseases. Identifiers: MedGen C0950123, MeSH D030342.

gnomAD v4.1: 3 of 1,613,504 alleles (0.00019%); highest among the groups gnomAD compares: Non-Finnish European, 0.00025%; no homozygotes.

Submissions (3):

Ambry Genetics
Classification: Uncertain significance for Inborn genetic diseases. Last evaluated: 2025-01-08. Review status: criteria provided, single submitter. Criteria: Ambry Variant Classification Scheme 2023. Collection method: clinical testing. Allele origin: germline.

Labcorp Genetics (formerly Invitae), Labcorp
Classification: Uncertain significance. Last evaluated: 2024-07-08. Review status: criteria provided, single submitter. Criteria: Invitae Variant Classification Sherloc (09022015). Collection method: clinical testing. Allele origin: germline.
Comment: This sequence change replaces glutamic acid, which is acidic and polar, with glycine, which is neutral and non-polar, at codon 28 of the PPARG protein (p.Glu28Gly). This variant is not present in population databases (gnomAD no frequency). This variant has not been reported in the literature in individuals affected with PPARG-related conditions. Algorithms developed to predict the effect of missense changes on protein structure and function output the following: SIFT: "Not Available"; PolyPhen-2: "Benign"; Align-GVGD: "Not Available". The glycine amino acid residue is found in multiple mammalian species, which suggests that this missense change does not adversely affect protein function. In summary, the available evidence is currently insufficient to determine the role of this variant in disease. Therefore, it has been classified as a Variant of Uncertain Significance.

PreventionGenetics, part of Exact Sciences
Classification: Uncertain significance for PPARG-related condition. Last evaluated: 2024-01-22. Review status: no assertion criteria provided. Collection method: clinical testing. Allele origin: germline. Not counted in ClinVar's aggregate classification.
Comment: The PPARG c.-2A>G variant is located in the 5' untranslated region. To our knowledge, this variant has not been reported in the literature or in a large population database, indicating this variant is rare. At this time, the clinical significance of this variant is uncertain due to the absence of conclusive functional and genetic evidence.